The following is an entry in ClinVar:

ClinVar aggregate classification (germline): Pathogenic (1 of 4 stars; one submission).

Conditions:
Ullrich congenital muscular dystrophy 2 (UCMD2). Identifiers: Orphanet 75840, MedGen C4225314, MONDO:0014654, OMIM 616470.
Bethlem myopathy 2 (BTHLM2). Identifiers: Orphanet 536516, Orphanet 610, MedGen C4225313, MONDO:0034022, OMIM 616471.

Submission:

Labcorp Genetics (formerly Invitae), Labcorp
Classification: Pathogenic for Bethlem myopathy 2; Ullrich congenital muscular dystrophy 2. Last evaluated: 2021-12-19. Review status: criteria provided, single submitter. Criteria: Invitae Variant Classification Sherloc (09022015). Collection method: clinical testing. Allele origin: germline.
Comment: This sequence change creates a premature translational stop signal (p.Arg2032*) in the COL12A1 gene. It is expected to result in an absent or disrupted protein product. Loss-of-function variants in COL12A1 are known to be pathogenic (PMID: 24334604, 28973083). This variant is not present in population databases (gnomAD no frequency). This variant has not been reported in the literature in individuals affected with COL12A1-related conditions. Algorithms developed to predict the effect of sequence changes on RNA splicing suggest that this variant may create or strengthen a splice site. For these reasons, this variant has been classified as Pathogenic.

Literature cited by the submitters: PubMed 24334604; PubMed 28973083.

NM_004370.6(COL12A1):c.6094A>T (p.Arg2032Ter)

Gene: COL12A1 (collagen type XII alpha 1 chain; minus strand). Cytogenetic location: 6q13.
Variant type: single nucleotide variant.
Coding change: c.6094A>T on transcript NM_004370.6 (MANE Select); coding-DNA position 6094, A replaced by T.
Protein change: p.Arg2032Ter; replaces arginine 2032 with a stop codon.
Molecular consequence: nonsense.
Genome position (GRCh38, 1-based): chr6:75,130,207, T>A on the plus strand (A>T on the coding strand, the complement: COL12A1 is on the minus strand). VCF-style: chr6-75130207-T-A. GRCh37 (hg19) VCF-style: chr6-75839923-T-A.
Other names: c.2602A>T, p.Arg868Ter (NM_080645.3); short protein forms R2032*, R868*.
Identifiers: ClinVar variation 2048520 (VCV002048520.4), dbSNP rs2533265739, ClinGen allele CA364731267.